The following is an entry in ClinVar:

NM_201596.3(CACNB2):c.1841G>C (p.Arg614Pro)

Gene: CACNB2 (calcium voltage-gated channel auxiliary subunit beta 2; plus strand). Cytogenetic location: 10p12.31.
Variant type: single nucleotide variant.
Coding change: c.1841G>C on transcript NM_201596.3 (MANE Select); coding-DNA position 1841, G replaced by C.
Protein change: p.Arg614Pro; replaces arginine 614 with proline.
Molecular consequence: missense variant.
Genome position (GRCh38, 1-based): chr10:18,539,582, G>C. VCF-style: chr10-18539582-G-C. GRCh37 (hg19) VCF-style: chr10-18828511-G-C.
Other names: c.1676G>C, p.Arg559Pro (NM_000724.4); c.1643G>C, p.Arg548Pro (NM_001167945.2); c.1562G>C, p.Arg521Pro (NM_001330060.2); c.1583G>C, p.Arg528Pro (NM_001410882.1); c.1697G>C, p.Arg566Pro (NM_201570.3); c.1757G>C, p.Arg586Pro (NM_201571.4); c.1685G>C, p.Arg562Pro (NM_201572.4); c.1679G>C, p.Arg560Pro (NM_201590.3); and 2 more; short protein forms R548P, R559P, R560P, R590P, R528P, R562P, R576P, R566P.
Identifiers: ClinVar variation 1777855 (VCV001777855.3), dbSNP rs367619172, ClinGen allele CA376072549.

ClinVar aggregate classification (germline): Uncertain significance (1 of 4 stars; one submission).

Conditions:
Cardiovascular phenotype. Identifiers: MedGen CN230736.

gnomAD v4.1: 6 of 1,613,642 alleles (0.00037%); highest among the groups gnomAD compares: African/African-American, 0.0027%; no homozygotes.

Submission:

Ambry Genetics
Classification: Uncertain significance for Cardiovascular phenotype. Last evaluated: 2025-08-03. Review status: criteria provided, single submitter. Criteria: Ambry Variant Classification Scheme 2023. Collection method: clinical testing. Allele origin: germline.
Comment: The p.R560P variant (also known as c.1679G>C), located in coding exon 13 of the CACNB2 gene, results from a G to C substitution at nucleotide position 1679. The arginine at codon 560 is replaced by proline, an amino acid with dissimilar properties. This amino acid position is conserved. In addition, this alteration is predicted to be deleterious by in silico analysis. Since supporting evidence is limited at this time, the clinical significance of this alteration remains unclear.